The following is an entry in ClinVar:

ClinVar aggregate classification (germline): Uncertain significance. Review status: criteria provided, multiple submitters, no conflicts (2 of 4 stars). 2 submissions from 2 submitters: Uncertain significance (2). Last evaluated 2020-01-03.

Conditions:
Autosomal recessive limb-girdle muscular dystrophy type 2J (LGMDR10). Also called: Limb-girdle muscular dystrophy, type 2J; MUSCULAR DYSTROPHY, LIMB-GIRDLE, AUTOSOMAL RECESSIVE 10. Identifiers: Orphanet 140922, MedGen C1837342, MONDO:0012127, OMIM 608807.
Dilated cardiomyopathy 1G (CMD1G). Identifiers: Orphanet 154, MedGen C1858763, MONDO:0011400, OMIM 604145.
Cardiovascular phenotype. Identifiers: MedGen CN230736.

Allele frequency attached by ClinVar (database versions not stated): 1000 Genomes Project 0.00020; gnomAD exomes 0.00001; TOPMed 0.00002; gnomAD 0.00003; 1000 Genomes Project 30x 0.00016.
gnomAD v4.1: 12 of 1,612,844 alleles (0.00074%); highest among the groups gnomAD compares: South Asian, 0.0033%; no homozygotes.

Submissions (2):

Ambry Genetics
Classification: Uncertain significance for Cardiovascular phenotype. Last evaluated: 2020-01-03. Review status: criteria provided, single submitter. Criteria: Ambry Variant Classification Scheme 2023. Collection method: clinical testing. Allele origin: germline.
Comment: The p.V12157A variant (also known as c.36470T>C), located in coding exon 133 of the TTN gene, results from a T to C substitution at nucleotide position 36470. The valine at codon 12157 is replaced by alanine, an amino acid with similar properties. This amino acid position is highly conserved in available vertebrate species. In addition, this alteration is predicted to be tolerated by in silico analysis. Since supporting evidence is limited at this time, the clinical significance of this alteration remains unclear.

Labcorp Genetics (formerly Invitae), Labcorp
Classification: Uncertain significance for Dilated cardiomyopathy 1G; Autosomal recessive limb-girdle muscular dystrophy type 2J. Last evaluated: 2017-09-28. Review status: criteria provided, single submitter. Criteria: Invitae Variant Classification Sherloc (09022015). Collection method: clinical testing. Allele origin: germline.

NM_001267550.2(TTN):c.63665T>C (p.Val21222Ala)

Genes: TTN-AS1 (TTN antisense RNA 1; plus strand), TTN (titin; minus strand). Cytogenetic location: 2q31.2.
Variant type: single nucleotide variant.
Coding change: c.63665T>C on transcript NM_001267550.2 (MANE Select); coding-DNA position 63665, T replaced by C.
Protein change: p.Val21222Ala; replaces valine 21222 with alanine.
Molecular consequence: missense variant.
Genome position (GRCh38, 1-based): chr2:178,587,644, A>G on the plus strand (T>C on the coding strand, the complement: TTN is on the minus strand). VCF-style: chr2-178587644-A-G. GRCh37 (hg19) VCF-style: chr2-179452371-A-G.
Other names: c.58742T>C, p.Val19581Ala (NM_001256850.1); c.36470T>C, p.Val12157Ala (NM_003319.4); c.55961T>C, p.Val18654Ala (NM_133378.4); c.36845T>C, p.Val12282Ala (NM_133432.3); c.37046T>C, p.Val12349Ala (NM_133437.4); short protein forms V21222A, V12157A, V12349A, V12282A, V19581A, V18654A.
Identifiers: ClinVar variation 535198 (VCV000535198.5), dbSNP rs183595734, ClinGen allele CA60965599.